The following is an entry in ClinVar:

NM_000553.6(WRN):c.1114_1115delinsC (p.Asp372fs)

Gene: WRN (WRN RecQ like helicase; plus strand). Cytogenetic location: 8p12.
Variant type: Indel.
Coding change: c.1114_1115delinsC on transcript NM_000553.6 (MANE Select); coding-DNA positions 1114 to 1115, GA replaced by C.
Protein change: p.Asp372fs; shifts the reading frame from aspartic acid 372.
Molecular consequence: frameshift variant.
Genome position (GRCh38, 1-based): chr8:31,081,141-31,081,142, GA replaced by C. VCF-style: chr8-31081141-GA-C. GRCh37 (hg19) VCF-style: chr8-30938657-GA-C.
Other names: p.Asp372Leufs*7; short protein forms D372fs.
Identifiers: ClinVar variation 566883 (VCV000566883.9), dbSNP rs1563338855, ClinGen allele CA891843259.

ClinVar aggregate classification (germline): Pathogenic/Likely pathogenic. Review status: criteria provided, multiple submitters, no conflicts (2 of 4 stars). 3 submissions from 3 submitters: Pathogenic (1); Likely pathogenic (2). Last evaluated 2025-01-01.

Conditions:
Werner syndrome (WRN). Identifiers: Orphanet 902, MedGen C0043119, MONDO:0010196, OMIM 277700.

Submissions (3):

Labcorp Genetics (formerly Invitae), Labcorp
Classification: Pathogenic for Werner syndrome. Last evaluated: 2025-01-01. Review status: criteria provided, single submitter. Criteria: Invitae Variant Classification Sherloc (09022015). Collection method: clinical testing. Allele origin: germline.
Comment: This sequence change creates a premature translational stop signal (p.Asp372Leufs*7) in the WRN gene. It is expected to result in an absent or disrupted protein product. Loss-of-function variants in WRN are known to be pathogenic (PMID: 16673358). Information on the frequency of this variant in the gnomAD database is not available, as this variant may be reported differently in the database. This variant has not been reported in the literature in individuals affected with WRN-related conditions. For these reasons, this variant has been classified as Pathogenic.

Baylor Genetics
Classification: Likely pathogenic for Werner syndrome. Last evaluated: 2023-08-17. Review status: criteria provided, single submitter. Criteria: ACMG Guidelines, 2015. Collection method: clinical testing. Allele origin: unknown.

Mayo Clinic Laboratories, Mayo Clinic
Classification: Likely pathogenic. Last evaluated: 2023-04-04. Review status: criteria provided, single submitter. Criteria: ACMG Guidelines, 2015. Collection method: clinical testing. Allele origin: germline. Observed: 1 variant allele.
Comment: PM2, PVS1

Literature cited by the submitters: PubMed 16673358 (cited by Labcorp Genetics (formerly Invitae), Labcorp).